The following is an entry in ClinVar:

ClinVar aggregate classification (germline): Pathogenic. Review status: criteria provided, multiple submitters, no conflicts (2 of 4 stars). 2 submissions from 2 submitters: Pathogenic (2). Last evaluated 2024-05-08.

Conditions:
Metachromatic leukodystrophy (MLD). Also called: SULFATIDE LIPIDOSIS; ARSA DEFICIENCY; CEREBROSIDE SULFATASE DEFICIENCY; Cerebral sclerosis diffuse metachromatic form; Arylsulfatase A Deficiency; METACHROMATIC LEUKOENCEPHALOPATHY. Identifiers: Orphanet 512, MedGen C0023522, MONDO:0018868, OMIM 250100.

Submissions (2):

Myriad Genetics, Inc.
Classification: Pathogenic for Metachromatic leukodystrophy. Last evaluated: 2024-05-08. Review status: criteria provided, single submitter. Criteria: Myriad Autosomal Dominant, Autosomal Recessive and X-Linked Classification Criteria (2023). Collection method: clinical testing. Allele origin: unknown.
Comment: NM_000487.5(ARSA):c.731C>A(S244*) is expected to be pathogenic in the context of metachromatic leukodystrophy. This variant is predicted to lead to an abnormal or absent protein product due to the creation of a premature termination codon in ARSA, a gene where loss-of-function variants are known to be pathogenic. Please note: this variant was assessed in the context of healthy population screening.

Labcorp Genetics (formerly Invitae), Labcorp
Classification: Pathogenic for Metachromatic leukodystrophy. Last evaluated: 2021-09-17. Review status: criteria provided, single submitter. Criteria: Invitae Variant Classification Sherloc (09022015). Collection method: clinical testing. Allele origin: germline.
Comment: This variant has not been reported in the literature in individuals affected with ARSA-related conditions. For these reasons, this variant has been classified as Pathogenic. This variant is not present in population databases (ExAC no frequency). This sequence change creates a premature translational stop signal (p.Ser244*) in the ARSA gene. It is expected to result in an absent or disrupted protein product. Loss-of-function variants in ARSA are known to be pathogenic (PMID: 8962139, 10477432).

Literature cited by the submitters: PubMed 8962139 (cited by Labcorp Genetics (formerly Invitae), Labcorp); PubMed 10477432 (cited by Labcorp Genetics (formerly Invitae), Labcorp).

NM_000487.6(ARSA):c.731C>A (p.Ser244Ter)

Gene: ARSA (arylsulfatase A; minus strand). Cytogenetic location: 22q13.33.
Variant type: single nucleotide variant.
Coding change: c.731C>A on transcript NM_000487.6 (MANE Select); coding-DNA position 731, C replaced by A.
Protein change: p.Ser244Ter; replaces serine 244 with a stop codon.
Molecular consequence: nonsense.
Genome position (GRCh38, 1-based): chr22:50,626,714, G>T on the plus strand (C>A on the coding strand, the complement: ARSA is on the minus strand). VCF-style: chr22-50626714-G-T. GRCh37 (hg19) VCF-style: chr22-51065142-G-T.
Other names: c.731C>A, p.Ser244Ter (NM_001085425.3, NM_001085426.3, NM_001085427.3); c.473C>A, p.Ser158Ter (NM_001085428.3, NM_001362782.2); short protein forms S158*, S244*.
Identifiers: ClinVar variation 1381264 (VCV001381264.7), dbSNP rs1394861740, ClinGen allele CA412176509.
Genomic context (GRCh38, chr22:50,626,714, plus strand): 5'-ATCAGGGTCCCCACAGCTGCATCCAGCTCCATCAGGGAGTCCCCAAATGGCCCGCGGCCT[G>T]AACGCTCTGCAAAGCTCTGCCCACTGAACTGAGGGTAGTGGGTGTGCTGGGGGCAAAGAC-3'